The following is an entry in ClinVar:

NM_001621.5(AHR):c.2152G>A (p.Asp718Asn)

Gene: AHR (aryl hydrocarbon receptor; plus strand). Cytogenetic location: 7p21.1.
Variant type: single nucleotide variant.
Coding change: c.2152G>A on transcript NM_001621.5 (MANE Select); coding-DNA position 2152, G replaced by A.
Protein change: p.Asp718Asn; replaces aspartic acid 718 with asparagine.
Molecular consequence: missense variant.
Genome position (GRCh38, 1-based): chr7:17,339,977, G>A. VCF-style: chr7-17339977-G-A. GRCh37 (hg19) VCF-style: chr7-17379601-G-A.
Other names: short protein forms D718N.
Identifiers: ClinVar variation 1964814 (VCV001964814.2), dbSNP rs765999735, ClinGen allele CA4172237.
Genomic context (GRCh38, chr7:17,339,977, plus strand): 5'-CAGAACTTTATTTCCTGTAATCAGCCTGTATTACCACAACATTCCAAATGTACAGAGCTG[G>A]ACTACCCTATGGGGAGTTTTGAACCATCCCCATACCCCACTACTTCTAGTTTAGAAGATT-3'
Protein context (NP_001612.1, residues 708-728): LPQHSKCTEL[Asp718Asn]YPMGSFEPSP

ClinVar aggregate classification (germline): Uncertain significance (1 of 4 stars; one submission).

Allele frequency attached by ClinVar (database versions not stated): ExAC 0.00002; TOPMed 0.00003; gnomAD 0.00004.
gnomAD v4.1: 12 of 1,614,000 alleles (0.00074%); highest among the groups gnomAD compares: African/African-American, 0.012%; no homozygotes.

Submission:

Labcorp Genetics (formerly Invitae), Labcorp
Classification: Uncertain significance. Last evaluated: 2022-07-16. Review status: criteria provided, single submitter. Criteria: Invitae Variant Classification Sherloc (09022015). Collection method: clinical testing. Allele origin: germline.
Comment: This sequence change replaces aspartic acid, which is acidic and polar, with asparagine, which is neutral and polar, at codon 718 of the AHR protein (p.Asp718Asn). This variant is present in population databases (rs765999735, gnomAD 0.02%). This variant has not been reported in the literature in individuals affected with AHR-related conditions. Algorithms developed to predict the effect of missense changes on protein structure and function are either unavailable or do not agree on the potential impact of this missense change (SIFT: "Tolerated"; PolyPhen-2: "Possibly Damaging"; Align-GVGD: "Class C0"). In summary, the available evidence is currently insufficient to determine the role of this variant in disease. Therefore, it has been classified as a Variant of Uncertain Significance.